The following is an entry in ClinVar:

NM_001261826.3(AP3D1):c.123T>G (p.Asp41Glu)

Gene: AP3D1 (adaptor related protein complex 3 subunit delta 1; minus strand). Cytogenetic location: 19p13.3.
Variant type: single nucleotide variant.
Coding change: c.123T>G on transcript NM_001261826.3 (MANE Select); coding-DNA position 123, T replaced by G.
Protein change: p.Asp41Glu; replaces aspartic acid 41 with glutamic acid.
Molecular consequence: missense variant.
Genome position (GRCh38, 1-based): chr19:2,138,688, A>C on the plus strand (T>G on the coding strand, the complement: AP3D1 is on the minus strand). VCF-style: chr19-2138688-A-C. GRCh37 (hg19) VCF-style: chr19-2138687-A-C.
Other names: c.123T>G, p.Asp41Glu (NM_001374799.1, NM_003938.8); short protein forms D41E.
Identifiers: ClinVar variation 4718243 (VCV004718243.1).

ClinVar aggregate classification (germline): Uncertain significance (1 of 4 stars; one submission).

gnomAD v4.1: 1 of 1,613,644 alleles (0.000062%); highest among the groups gnomAD compares: Non-Finnish European, 0.000085%; no homozygotes.

Submission:

Labcorp Genetics (formerly Invitae), Labcorp
Classification: Uncertain significance. Last evaluated: 2025-04-23. Review status: criteria provided, single submitter. Criteria: Invitae Variant Classification Sherloc (09022015). Collection method: clinical testing. Allele origin: germline.
Comment: This sequence change replaces aspartic acid, which is acidic and polar, with glutamic acid, which is acidic and polar, at codon 41 of the AP3D1 protein (p.Asp41Glu). This variant is not present in population databases (gnomAD no frequency). This variant has not been reported in the literature in individuals affected with AP3D1-related conditions. An algorithm developed to predict the effect of missense changes on protein structure and function (PolyPhen-2) suggests that this variant is likely to be tolerated. In summary, the available evidence is currently insufficient to determine the role of this variant in disease. Therefore, it has been classified as a Variant of Uncertain Significance.